The following is an entry in ClinVar:

ClinVar aggregate classification (germline): Uncertain significance (1 of 4 stars; one submission).

Conditions:
Early Myoclonic Encephalopathy. Identifiers: MedGen C0270855.

gnomAD v4.1: 1 of 1,613,586 alleles (0.000062%); highest among the groups gnomAD compares: Admixed American, 0.0017%; no homozygotes.

Submission:

Labcorp Genetics (formerly Invitae), Labcorp
Classification: Uncertain significance for Early Myoclonic Encephalopathy. Last evaluated: 2022-02-19. Review status: criteria provided, single submitter. Criteria: Invitae Variant Classification Sherloc (09022015). Collection method: clinical testing. Allele origin: germline.
Comment: In summary, the available evidence is currently insufficient to determine the role of this variant in disease. Therefore, it has been classified as a Variant of Uncertain Significance. Advanced modeling of protein sequence and biophysical properties (such as structural, functional, and spatial information, amino acid conservation, physicochemical variation, residue mobility, and thermodynamic stability) performed at Invitae indicates that this missense variant is not expected to disrupt KCND2 protein function. This variant has not been reported in the literature in individuals affected with KCND2-related conditions. This variant is present in population databases (rs145422660, gnomAD 0.003%). This sequence change replaces histidine, which is basic and polar, with glutamine, which is neutral and polar, at codon 491 of the KCND2 protein (p.His491Gln).

NM_012281.3(KCND2):c.1473C>G (p.His491Gln)

Gene: KCND2 (potassium voltage-gated channel subfamily D member 2; plus strand). Cytogenetic location: 7q31.31.
Variant type: single nucleotide variant.
Coding change: c.1473C>G on transcript NM_012281.3 (MANE Select); coding-DNA position 1473, C replaced by G.
Protein change: p.His491Gln; replaces histidine 491 with glutamine.
Molecular consequence: missense variant.
Genome position (GRCh38, 1-based): chr7:120,745,785, C>G. VCF-style: chr7-120745785-C-G. GRCh37 (hg19) VCF-style: chr7-120385839-C-G.
Other names: short protein forms H491Q.
Identifiers: ClinVar variation 2420530 (VCV002420530.6), dbSNP rs145422660, ClinGen allele CA4453702.